The following is an entry in ClinVar:

NM_000211.5(ITGB2):c.742-14C>A

Gene: ITGB2 (integrin subunit beta 2; minus strand). Cytogenetic location: 21q22.3.
Variant type: single nucleotide variant.
Coding change: c.742-14C>A on transcript NM_000211.5 (MANE Select); 14 bases into the intron before coding-DNA position 742, C replaced by A.
Molecular consequence: intron variant.
Genome position (GRCh38, 1-based): chr21:44,900,489, G>T on the plus strand (C>A on the coding strand, the complement: ITGB2 is on the minus strand). VCF-style: chr21-44900489-G-T. GRCh37 (hg19) VCF-style: chr21-46320404-G-T.
Other names: c.742-14C>A (NM_001127491.3); c.535-14C>A (NM_001303238.2).
Identifiers: ClinVar variation 942517 (VCV000942517.7), dbSNP rs183204825, ClinGen allele CA10063082.
Genomic context (GRCh38, chr21:44,900,489, plus strand): 5'-GTGGCAAACACCAGCAGCCGCGTGACGTTGCGCCAGCCGATTTCCTCCTGAGAAGAAGGC[G>T]TGGGGGGCAGGGTTACCTGCCTCAGTTTCCCAGACCCGGCCCTCTGGAGCAGAGGAGACG-3'

ClinVar aggregate classification (germline): Pathogenic (1 of 4 stars; one submission).

Conditions:
Leukocyte adhesion deficiency 1 (LAD1). Also called: LEUKOCYTE ADHESION DEFICIENCY, TYPE I; LAD 1; Lymphocyte function-associated antigen 1 immunodeficiency; LFA 1 immunodeficiency. Identifiers: Orphanet 2968, Orphanet 99842, MedGen C0398738, MONDO:0007293, OMIM 116920.

Allele frequency attached by ClinVar (database versions not stated): TOPMed below 0.00001.
gnomAD v4.1: 13 of 1,613,372 alleles (0.00081%); highest among the groups gnomAD compares: Non-Finnish European, 0.00093%; no homozygotes.

Submission:

Labcorp Genetics (formerly Invitae), Labcorp
Classification: Pathogenic for Leukocyte adhesion deficiency 1. Last evaluated: 2023-12-08. Review status: criteria provided, single submitter. Criteria: Invitae Variant Classification Sherloc (09022015). Collection method: clinical testing. Allele origin: germline.
Comment: This sequence change falls in intron 6 of the ITGB2 gene. It does not directly change the encoded amino acid sequence of the ITGB2 protein. This variant is present in population databases (rs183204825, gnomAD 0.003%). This variant has been observed in individual(s) with clinical features of leukocyte adhesion deficiency (PMID: 1346613, 11882363; Invitae). In at least one individual the data is consistent with being in trans (on the opposite chromosome) from a pathogenic variant. ClinVar contains an entry for this variant (Variation ID: 942517). Algorithms developed to predict the effect of sequence changes on RNA splicing suggest that this variant may disrupt the consensus splice site. For these reasons, this variant has been classified as Pathogenic.

Literature cited by the submitters: PubMed 1346613; PubMed 11882363.